The following is an entry in ClinVar:

NM_007294.4(BRCA1):c.4865C>G (p.Thr1622Ser)

Gene: BRCA1 (BRCA1 DNA repair associated; minus strand). Cytogenetic location: 17q21.31.
Variant type: single nucleotide variant.
Coding change: c.4865C>G on transcript NM_007294.4 (MANE Select); coding-DNA position 4865, C replaced by G.
Protein change: p.Thr1622Ser; replaces threonine 1622 with serine.
Molecular consequence: missense variant. On other transcripts: non-coding transcript variant (1).
Genome position (GRCh38, 1-based): chr17:43,071,049, G>C on the plus strand (C>G on the coding strand, the complement: BRCA1 is on the minus strand). VCF-style: chr17-43071049-G-C. GRCh37 (hg19) VCF-style: chr17-41223066-G-C.
Other names: c.4652C>G, p.Thr1551Ser (NM_001407571.1, NM_001407894.1, NM_001407895.1 and 12 more transcripts); c.4931C>G, p.Thr1644Ser (NM_001407581.1, NM_001407582.1); c.4928C>G, p.Thr1643Ser (NM_001407583.1, NM_001407585.1, NM_001407587.1 and 1 more transcripts); c.4925C>G, p.Thr1642Ser (NM_001407590.1, NM_001407591.1); c.4865C>G, p.Thr1622Ser (NM_001407593.1, NM_001407594.1, NM_001407596.1 and 8 more transcripts); c.4862C>G, p.Thr1621Ser (NM_001407610.1, NM_001407611.1, NM_001407612.1 and 17 more transcripts); c.4859C>G, p.Thr1620Ser (NM_001407627.1, NM_001407628.1, NM_001407629.1 and 14 more transcripts); c.4856C>G, p.Thr1619Ser (NM_001407644.1, NM_001407645.1); and 70 more; short protein forms T1622S, T518S, T1643S, T1575S, T1325S, T1495S, T1509S, T1551S.
Identifiers: ClinVar variation 185934 (VCV000185934.6), dbSNP rs786202573, ClinGen allele CA003057.

ClinVar aggregate classification (germline): Uncertain significance (1 of 4 stars; one submission).

Conditions:
Hereditary cancer-predisposing syndrome. Also called: Hereditary neoplastic syndrome; Neoplastic Syndromes, Hereditary; Tumor predisposition; Hereditary Cancer Syndrome. Identifiers: Orphanet 140162, MedGen C0027672, MeSH D009386, MONDO:0015356.

Submission:

Ambry Genetics
Classification: Uncertain significance for Hereditary cancer-predisposing syndrome. Last evaluated: 2014-08-08. Review status: criteria provided, single submitter. Criteria: Ambry Variant Classification Scheme 2023. Collection method: clinical testing. Allele origin: germline.
Comment: The p.T1622S variant (also known as c.4865C>G or 4984C>G), located in coding exon 14 of the BRCA1 gene, results from a C to G substitution at nucleotide position 4865. The threonine at codon 1622 is replaced by serine, an amino acid with similar properties. This variant was not reported in population based cohorts in the following databases: Database of Single Nucleotide Polymorphisms (dbSNP), NHLBI Exome Sequencing Project (ESP), and 1000 Genomes Project. To date, this alteration has been detected with an allele frequency of approximately 0.002% (greater than 64000 alleles tested) in our clinical cohort. This amino acid position is poorly conserved in available vertebrate species. In addition, this alteration is predicted to be benign and tolerated by PolyPhen and SIFT in silico analyses, respectively. Since supporting evidence is limited at this time, the clinical significance of p.T1622S remains unclear.